The following is an entry in ClinVar:

ClinVar aggregate classification (germline): Uncertain significance (1 of 4 stars; one submission).

Conditions:
Inborn genetic diseases. Identifiers: MedGen C0950123, MeSH D030342.

Submission:

Ambry Genetics
Classification: Uncertain significance for Inborn genetic diseases. Last evaluated: 2025-05-02. Review status: criteria provided, single submitter. Criteria: Ambry Variant Classification Scheme 2023. Collection method: clinical testing. Allele origin: germline.
Comment: The p.K73I variant (also known as c.218A>T), located in coding exon 2 of the ERCC6L2 gene, results from an A to T substitution at nucleotide position 218. The lysine at codon 73 is replaced by isoleucine, an amino acid with dissimilar properties. This amino acid position is conserved. In addition, the in silico prediction for this alteration is inconclusive. Based on the available evidence, the clinical significance of this variant remains unclear.

NM_020207.7(ERCC6L2):c.218A>T (p.Lys73Ile)

Gene: ERCC6L2 (ERCC excision repair 6 like 2; plus strand). Cytogenetic location: 9q22.32.
Variant type: single nucleotide variant.
Coding change: c.218A>T on transcript NM_020207.7 (MANE Select); coding-DNA position 218, A replaced by T.
Protein change: p.Lys73Ile; replaces lysine 73 with isoleucine.
Molecular consequence: missense variant. On other transcripts: non-coding transcript variant (1).
Genome position (GRCh38, 1-based): chr9:95,881,040, A>T. VCF-style: chr9-95881040-A-T. GRCh37 (hg19) VCF-style: chr9-98643322-A-T.
Other names: c.218A>T, p.Lys73Ile (NM_001010895.4, NM_001375291.1, NM_001375292.1 and 2 more transcripts); short protein forms K73I.
Identifiers: ClinVar variation 4019336 (VCV004019336.1).
Genomic context (GRCh38, chr9:95,881,040, plus strand): 5'-TCGTCTTATATGCAGATTTTCAAGAAAGGAAAATACCTCTTAAACAGCTTCAAGAAGTGA[A>T]ATTTGTTAAAGATTGCCCTAGGAATCTTATATTTGATGATGAAGATTTAGAAAAACCTTA-3'
Protein context (NP_064592.3, residues 63-83): KIPLKQLQEV[Lys73Ile]FVKDCPRNLI